The following is an entry in ClinVar:

NM_000169.3(GLA):c.528T>G (p.Ser176Arg)

Genes: GLA (galactosidase alpha; minus strand), RPL36A-HNRNPH2 (RPL36A-HNRNPH2 readthrough; plus strand). Cytogenetic location: Xq22.1.
Variant type: single nucleotide variant.
Coding change: c.528T>G on transcript NM_000169.3 (MANE Select); coding-DNA position 528, T replaced by G.
Protein change: p.Ser176Arg; replaces serine 176 with arginine.
Molecular consequence: missense variant. On other transcripts: non-coding transcript variant (3), intron variant (2).
Genome position (GRCh38, 1-based): chrX:101,401,651, A>C on the plus strand (T>G on the coding strand, the complement: GLA is on the minus strand). VCF-style: chrX-101401651-A-C. GRCh37 (hg19) VCF-style: chrX-100656639-A-C.
Other names: c.651T>G, p.Ser217Arg (NM_001406747.1, NM_001406749.1); c.528T>G, p.Ser176Arg (NM_001406748.1); c.300+6194A>C (NM_001199973.2); c.177+9829A>C (NM_001199974.2); short protein forms S176R, S217R.
Identifiers: ClinVar variation 4078774 (VCV004078774.2).

ClinVar aggregate classification (germline): Uncertain significance. Review status: criteria provided, multiple submitters, no conflicts (2 of 4 stars). 2 submissions from 2 submitters: Uncertain significance (2). Last evaluated 2025-05-15.

Conditions:
Fabry disease. Also called: Fabry's disease; ALPHA-GALACTOSIDASE A DEFICIENCY; ANDERSON-FABRY DISEASE; CERAMIDE TRIHEXOSIDASE DEFICIENCY; GLA DEFICIENCY; HEREDITARY DYSTOPIC LIPIDOSIS. Identifiers: Orphanet 324, MedGen C0002986, MONDO:0010526, OMIM 301500, HP:0001071. Disease mechanism: Fabry disease is due to inactivating mutations in the X-linked GLA gene resulting in deficiency of the enzyme Alpha Galactosidase-A., loss of function.

Submissions (2):

Revvity Omics, Revvity
Classification: Uncertain significance. Last evaluated: 2025-05-15. Review status: criteria provided, single submitter. Criteria: ACMG Guidelines, 2015. Collection method: clinical testing. Allele origin: germline.

Labcorp Genetics (formerly Invitae), Labcorp
Classification: Uncertain significance for Fabry disease. Last evaluated: 2025-05-01. Review status: criteria provided, single submitter. Criteria: Invitae Variant Classification Sherloc (09022015). Collection method: clinical testing. Allele origin: germline.
Comment: This sequence change replaces serine, which is neutral and polar, with arginine, which is basic and polar, at codon 176 of the GLA protein (p.Ser176Arg). This variant is not present in population databases (gnomAD no frequency). This missense change has been observed in individual(s) with Fabry disease (internal data). Invitae Evidence Modeling of protein sequence and biophysical properties (such as structural, functional, and spatial information, amino acid conservation, physicochemical variation, residue mobility, and thermodynamic stability) indicates that this missense variant is not expected to disrupt GLA protein function with a negative predictive value of 80%. Algorithms developed to predict the effect of sequence changes on RNA splicing suggest that this variant may disrupt the consensus splice site. In summary, the available evidence is currently insufficient to determine the role of this variant in disease. Therefore, it has been classified as a Variant of Uncertain Significance.